The following is an entry in ClinVar:

NM_001330311.2(DVL1):c.1651C>A (p.Pro551Thr)

Gene: DVL1 (dishevelled segment polarity protein 1; minus strand). Cytogenetic location: 1p36.33.
Variant type: single nucleotide variant.
Coding change: c.1651C>A on transcript NM_001330311.2 (MANE Select); coding-DNA position 1651, C replaced by A.
Protein change: p.Pro551Thr; replaces proline 551 with threonine.
Molecular consequence: missense variant.
Genome position (GRCh38, 1-based): chr1:1,338,040, G>T on the plus strand (C>A on the coding strand, the complement: DVL1 is on the minus strand). VCF-style: chr1-1338040-G-T. GRCh37 (hg19) VCF-style: chr1-1273420-G-T.
Other names: c.1576C>A, p.Pro526Thr (NM_004421.3); short protein forms P526T, P551T.
Identifiers: ClinVar variation 3032018 (VCV003032018.2), dbSNP rs1267287838, ClinGen allele CA337859102.

ClinVar aggregate classification (germline): Uncertain significance (0 of 4 stars; one submission).

Conditions:
DVL1-related disorder. Also called: DVL1-related condition.

Submission:

PreventionGenetics, part of Exact Sciences
Classification: Uncertain significance for DVL1-related condition. Last evaluated: 2023-11-08. Review status: no assertion criteria provided. Collection method: clinical testing. Allele origin: germline.
Comment: The DVL1 c.1576C>A variant is predicted to result in the amino acid substitution p.Pro526Thr. To our knowledge, this variant has not been reported in the literature or in a large population database, indicating this variant is rare. At this time, the clinical significance of this variant is uncertain due to the absence of conclusive functional and genetic evidence.